The following is an entry in ClinVar:

ClinVar aggregate classification (germline): Uncertain significance (1 of 4 stars; one submission).

Submission:

GeneDx
Classification: Uncertain significance. Last evaluated: 2024-11-25. Review status: criteria provided, single submitter. Criteria: GeneDx Variant Classification Process June 2021. Collection method: clinical testing. Allele origin: germline. Affected: yes.
Comment: Has not been previously published as pathogenic or benign to our knowledge; Not observed at significant frequency in large population cohorts (gnomAD); In silico analysis supports that this missense variant has a deleterious effect on protein structure/function

NM_003128.3(SPTBN1):c.2915G>C (p.Arg972Pro)

Gene: SPTBN1 (spectrin beta, non-erythrocytic 1; plus strand). Cytogenetic location: 2p16.2.
Variant type: single nucleotide variant.
Coding change: c.2915G>C on transcript NM_003128.3 (MANE Select); coding-DNA position 2915, G replaced by C.
Protein change: p.Arg972Pro; replaces arginine 972 with proline.
Molecular consequence: missense variant.
Genome position (GRCh38, 1-based): chr2:54,630,962, G>C. VCF-style: chr2-54630962-G-C. GRCh37 (hg19) VCF-style: chr2-54858099-G-C.
Other names: c.2876G>C, p.Arg959Pro (NM_178313.3); short protein forms R959P, R972P.
Identifiers: ClinVar variation 3900176 (VCV003900176.1).